The following is an entry in ClinVar:

NM_001035.3(RYR2):c.754C>G (p.His252Asp)

Gene: RYR2 (ryanodine receptor 2; plus strand). Cytogenetic location: 1q43.
Variant type: single nucleotide variant.
Coding change: c.754C>G on transcript NM_001035.3 (MANE Select); coding-DNA position 754, C replaced by G.
Protein change: p.His252Asp; replaces histidine 252 with aspartic acid.
Molecular consequence: missense variant.
Genome position (GRCh38, 1-based): chr1:237,388,164, C>G. VCF-style: chr1-237388164-C-G. GRCh37 (hg19) VCF-style: chr1-237551464-C-G.
Other names: c.754C>G, p.His252Asp (LRG_402t1); short protein forms H252D.
Identifiers: ClinVar variation 424605 (VCV000424605.2), dbSNP rs1064797065, ClinGen allele CA16617098.

ClinVar aggregate classification (germline): Uncertain significance (1 of 4 stars; one submission).

Submission:

GeneDx
Classification: Uncertain significance. Last evaluated: 2017-04-04. Review status: criteria provided, single submitter. Criteria: GeneDx Variant Classification (06012015). Collection method: clinical testing. Allele origin: germline. Affected: yes.
Comment: A variant of uncertain significance has been identified in the RYR2 gene. The H252D variant has not been published as pathogenic or been reported as benign to our knowledge. This variant is also not observed in large population cohorts (Lek et al., 2016; 1000 Genomes Consortium et al., 2015; Exome Variant Server). The H252D variant is a non-conservative amino acid substitution, which is likely to impact secondary protein structure as these residues differ in polarity, charge, size and/or other properties. Additionally, this substitution occurs at a position that is conserved in mammals and in silico analysis predicts this variant is probably damaging to the protein structure/function. Furthermore, H252D is located in one of the three hot-spot regions of the RYR2 gene, where the majority of pathogenic missense variants occur (Medeiros-Domingo et al., 2009). Nevertheless, this variant has not been observed in a significant number of affected individuals, and it lacks both segregation and functional studies which would further clarify its pathogenicity.